The following is an entry in ClinVar:

NM_018834.6(MATR3):c.2533A>G (p.Lys845Glu)

Gene: MATR3 (matrin 3; plus strand). Cytogenetic location: 5q31.2.
Variant type: single nucleotide variant.
Coding change: c.2533A>G on transcript NM_018834.6 (MANE Select); coding-DNA position 2533, A replaced by G.
Protein change: p.Lys845Glu; replaces lysine 845 with glutamic acid.
Molecular consequence: missense variant.
Genome position (GRCh38, 1-based): chr5:139,329,384, A>G. VCF-style: chr5-139329384-A-G. GRCh37 (hg19) VCF-style: chr5-138665073-A-G.
Other names: c.2533A>G, p.Lys845Glu (NM_001194954.2, NM_001194955.2, NM_001400447.1 and 11 more transcripts); c.1669A>G, p.Lys557Glu (NM_001194956.2); c.1519A>G, p.Lys507Glu (NM_001282278.2, NM_001400462.1, NM_001400463.1 and 4 more transcripts); c.2677A>G, p.Lys893Glu (NM_001400441.1, NM_001400442.1, NM_001400443.1 and 2 more transcripts); c.1672A>G, p.Lys558Glu (NM_001400459.1); c.1663A>G, p.Lys555Glu (NM_001400460.1); c.1633A>G, p.Lys545Glu (NM_001400461.1); short protein forms K507E, K545E, K555E, K557E, K558E, K845E, K893E.
Identifiers: ClinVar variation 2145321 (VCV002145321.4), dbSNP rs774450220, ClinGen allele CA3433490.

ClinVar aggregate classification (germline): Uncertain significance (1 of 4 stars; one submission).

Conditions:
Amyotrophic lateral sclerosis type 21. Also called: VOCAL CORD AND PHARYNGEAL DYSFUNCTION WITH DISTAL MYOPATHY; MYOPATHY, DISTAL, 2. Identifiers: Orphanet 600, Orphanet 803, MedGen C3807521, MONDO:0011632, OMIM 606070.

Allele frequency attached by ClinVar (database versions not stated): ExAC 0.00001; gnomAD exomes 0.00001; TOPMed 0.00001; gnomAD 0.00003.
gnomAD v4.1: 21 of 1,611,570 alleles (0.0013%); highest among the groups gnomAD compares: Non-Finnish European, 0.0017%; no homozygotes.

Submission:

Labcorp Genetics (formerly Invitae), Labcorp
Classification: Uncertain significance for Amyotrophic lateral sclerosis type 21. Last evaluated: 2023-05-23. Review status: criteria provided, single submitter. Criteria: Invitae Variant Classification Sherloc (09022015). Collection method: clinical testing. Allele origin: germline.
Comment: In summary, the available evidence is currently insufficient to determine the role of this variant in disease. Therefore, it has been classified as a Variant of Uncertain Significance. An algorithm developed to predict the effect of missense changes on protein structure and function (PolyPhen-2) suggests that this variant is likely to be disruptive. ClinVar contains an entry for this variant (Variation ID: 2145321). This variant has not been reported in the literature in individuals affected with MATR3-related conditions. This variant is present in population databases (rs774450220, gnomAD 0.003%). This sequence change replaces lysine, which is basic and polar, with glutamic acid, which is acidic and polar, at codon 845 of the MATR3 protein (p.Lys845Glu).